The following is an entry in ClinVar:

NM_005633.4(SOS1):c.398T>C (p.Val133Ala)

Gene: SOS1 (SOS Ras/Rac guanine nucleotide exchange factor 1; minus strand). Cytogenetic location: 2p22.1.
Variant type: single nucleotide variant.
Coding change: c.398T>C on transcript NM_005633.4 (MANE Select); coding-DNA position 398, T replaced by C.
Protein change: p.Val133Ala; replaces valine 133 with alanine.
Molecular consequence: missense variant.
Genome position (GRCh38, 1-based): chr2:39,056,814, A>G on the plus strand (T>C on the coding strand, the complement: SOS1 is on the minus strand). VCF-style: chr2-39056814-A-G. GRCh37 (hg19) VCF-style: chr2-39283955-A-G.
Other names: c.377T>C, p.Val126Ala (NM_001382394.1); c.398T>C, p.Val133Ala (NM_001382395.1); short protein forms V126A, V133A.
Identifiers: ClinVar variation 3720399 (VCV003720399.2).

ClinVar aggregate classification (germline): Uncertain significance (1 of 4 stars; one submission).

Conditions:
RASopathy. Also called: Noonan spectrum disorder; rasopathies. Identifiers: Orphanet 536391, MedGen C5555857, MONDO:0021060.

Submission:

Labcorp Genetics (formerly Invitae), Labcorp
Classification: Uncertain significance for RASopathy. Last evaluated: 2024-10-30. Review status: criteria provided, single submitter. Criteria: Invitae Variant Classification Sherloc (09022015). Collection method: clinical testing. Allele origin: germline.
Comment: This sequence change replaces valine, which is neutral and non-polar, with alanine, which is neutral and non-polar, at codon 133 of the SOS1 protein (p.Val133Ala). This variant is not present in population databases (gnomAD no frequency). This variant has not been reported in the literature in individuals affected with SOS1-related conditions. Invitae Evidence Modeling of protein sequence and biophysical properties (such as structural, functional, and spatial information, amino acid conservation, physicochemical variation, residue mobility, and thermodynamic stability) has been performed for this missense variant. However, the output from this modeling did not meet the statistical confidence thresholds required to predict the impact of this variant on SOS1 protein function. In summary, the available evidence is currently insufficient to determine the role of this variant in disease. Therefore, it has been classified as a Variant of Uncertain Significance.